The following is an entry in ClinVar:

NM_022765.4(MICAL1):c.2512T>A (p.Ser838Thr)

Gene: MICAL1 (microtubule associated monooxygenase, calponin and LIM domain containing 1; minus strand). Cytogenetic location: 6q21.
Variant type: single nucleotide variant.
Coding change: c.2512T>A on transcript NM_022765.4 (MANE Select); coding-DNA position 2512, T replaced by A.
Protein change: p.Ser838Thr; replaces serine 838 with threonine.
Molecular consequence: missense variant.
Genome position (GRCh38, 1-based): chr6:109,446,205, A>T on the plus strand (T>A on the coding strand, the complement: MICAL1 is on the minus strand). VCF-style: chr6-109446205-A-T. GRCh37 (hg19) VCF-style: chr6-109767408-A-T.
Other names: c.2254T>A, p.Ser752Thr (NM_001159291.2); c.2569T>A, p.Ser857Thr (NM_001286613.2); short protein forms S838T, S857T, S752T.
Identifiers: ClinVar variation 4778163 (VCV004778163.1).

ClinVar aggregate classification (germline): Uncertain significance (1 of 4 stars; one submission).

Submission:

Labcorp Genetics (formerly Invitae), Labcorp
Classification: Uncertain significance. Last evaluated: 2025-10-02. Review status: criteria provided, single submitter. Criteria: Invitae Variant Classification Sherloc (09022015). Collection method: clinical testing. Allele origin: germline.
Comment: This sequence change replaces serine, which is neutral and polar, with threonine, which is neutral and polar, at codon 857 of the MICAL1 protein (p.Ser857Thr). This variant is not present in population databases (gnomAD no frequency). This variant has not been reported in the literature in individuals affected with MICAL1-related conditions. An algorithm developed to predict the effect of missense changes on protein structure and function (PolyPhen-2) suggests that this variant is likely to be tolerated. In summary, the available evidence is currently insufficient to determine the role of this variant in disease. Therefore, it has been classified as a Variant of Uncertain Significance.